The following is an entry in ClinVar:

NM_014956.5(CEP164):c.3181C>T (p.Leu1061Phe)

Gene: CEP164 (centrosomal protein 164; plus strand). Cytogenetic location: 11q23.3.
Variant type: single nucleotide variant.
Coding change: c.3181C>T on transcript NM_014956.5 (MANE Select); coding-DNA position 3181, C replaced by T.
Protein change: p.Leu1061Phe; replaces leucine 1061 with phenylalanine.
Molecular consequence: missense variant.
Genome position (GRCh38, 1-based): chr11:117,396,145, C>T. VCF-style: chr11-117396145-C-T. GRCh37 (hg19) VCF-style: chr11-117266861-C-T.
Other names: c.3190C>T, p.Leu1064Phe (NM_001271933.2); short protein forms L1061F, L1064F.
Identifiers: ClinVar variation 1371210 (VCV001371210.6), dbSNP rs2136467124, ClinGen allele CA382733415.

ClinVar aggregate classification (germline): Uncertain significance (1 of 4 stars; one submission).

Conditions:
Nephronophthisis 15 (NPHP15). Identifiers: Orphanet 3156, MedGen C3541853, MONDO:0013917, OMIM 614845.

Allele frequency attached by ClinVar (database versions not stated): gnomAD exomes below 0.00001.
gnomAD v4.1: 1 of 1,612,114 alleles (0.000062%); highest among the groups gnomAD compares: Non-Finnish European, 0.000085%; no homozygotes.

Submission:

Labcorp Genetics (formerly Invitae), Labcorp
Classification: Uncertain significance for Nephronophthisis 15. Last evaluated: 2022-12-06. Review status: criteria provided, single submitter. Criteria: Invitae Variant Classification Sherloc (09022015). Collection method: clinical testing. Allele origin: germline.
Comment: In summary, the available evidence is currently insufficient to determine the role of this variant in disease. Therefore, it has been classified as a Variant of Uncertain Significance. Advanced modeling of protein sequence and biophysical properties (such as structural, functional, and spatial information, amino acid conservation, physicochemical variation, residue mobility, and thermodynamic stability) performed at Invitae indicates that this missense variant is expected to disrupt CEP164 protein function. ClinVar contains an entry for this variant (Variation ID: 1371210). This variant has not been reported in the literature in individuals affected with CEP164-related conditions. This variant is not present in population databases (gnomAD no frequency). This sequence change replaces leucine, which is neutral and non-polar, with phenylalanine, which is neutral and non-polar, at codon 1061 of the CEP164 protein (p.Leu1061Phe).